The following is an entry in ClinVar:

NM_005559.4(LAMA1):c.2989C>T (p.Pro997Ser)

Gene: LAMA1 (laminin subunit alpha 1; minus strand). Cytogenetic location: 18p11.31.
Variant type: single nucleotide variant.
Coding change: c.2989C>T on transcript NM_005559.4 (MANE Select); coding-DNA position 2989, C replaced by T.
Protein change: p.Pro997Ser; replaces proline 997 with serine.
Molecular consequence: missense variant.
Genome position (GRCh38, 1-based): chr18:7,016,491, G>A on the plus strand (C>T on the coding strand, the complement: LAMA1 is on the minus strand). VCF-style: chr18-7016491-G-A. GRCh37 (hg19) VCF-style: chr18-7016490-G-A.
Other names: short protein forms P997S.
Identifiers: ClinVar variation 284738 (VCV000284738.19), dbSNP rs148593258, ClinGen allele CA8882448.

ClinVar aggregate classification (germline): Benign/Likely benign. Review status: criteria provided, multiple submitters, no conflicts (2 of 4 stars). 5 submissions from 5 submitters: Benign (1); Likely benign (3). 1 of the submissions does not count toward it. Last evaluated 2025-12-01.

Conditions:
LAMA1-related disorder. Also called: LAMA1-related condition; LAMA1-related disorders.

Allele frequency attached by ClinVar (database versions not stated): gnomAD exomes 0.00066 and 0.00028; ExAC 0.00091; gnomAD 0.00189 and 0.00205; TOPMed 0.00213; 1000 Genomes Project 30x 0.00265; ESP Exome Variant Server 0.00277; 1000 Genomes Project 0.00280.
gnomAD v4.1: 751 of 1,614,162 alleles (0.047%); highest among the groups gnomAD compares: African/African-American, 0.69%; 6 homozygotes.

Submissions (5):

Labcorp Genetics (formerly Invitae), Labcorp
Classification: Likely benign. Last evaluated: 2025-12-01. Review status: criteria provided, single submitter. Criteria: Invitae Variant Classification Sherloc (09022015). Collection method: clinical testing. Allele origin: germline.

Blueprint Genetics
Classification: Likely benign. Last evaluated: 2024-10-14. Review status: criteria provided, single submitter. Criteria: ACMG Guidelines, 2015. Collection method: clinical testing. Allele origin: germline.

GeneDx
Classification: Likely benign. Last evaluated: 2024-04-24. Review status: criteria provided, single submitter. Criteria: GeneDx Variant Classification Process June 2021. Collection method: clinical testing. Allele origin: germline. Affected: yes.
Comment: See Variant Classification Assertion Criteria.

Eurofins Ntd Llc (ga)
Classification: Benign. Last evaluated: 2015-12-08. Review status: criteria provided, single submitter. Criteria: EGL Classification Definitions 2015. Collection method: clinical testing. Allele origin: germline. Observed: 1 variant allele, 1 heterozygote.

PreventionGenetics, part of Exact Sciences
Classification: Likely benign for LAMA1-related condition. Last evaluated: 2020-09-02. Review status: no assertion criteria provided. Collection method: clinical testing. Allele origin: germline. Not counted in ClinVar's aggregate classification.
Comment: This variant is classified as likely benign based on ACMG/AMP sequence variant interpretation guidelines (Richards et al. 2015 PMID: 25741868, with internal and published modifications).